The following is an entry in ClinVar:

NM_130466.4(UBE3B):c.2519T>C (p.Ile840Thr)

Gene: UBE3B (ubiquitin protein ligase E3B; plus strand). Cytogenetic location: 12q24.11.
Variant type: single nucleotide variant.
Coding change: c.2519T>C on transcript NM_130466.4 (MANE Select); coding-DNA position 2519, T replaced by C.
Protein change: p.Ile840Thr; replaces isoleucine 840 with threonine.
Molecular consequence: missense variant.
Genome position (GRCh38, 1-based): chr12:109,524,454, T>C. VCF-style: chr12-109524454-T-C. GRCh37 (hg19) VCF-style: chr12-109962259-T-C.
Other names: c.2519T>C (NM_130466.2); c.2519T>C, p.Ile840Thr (NM_183415.3); short protein forms I840T.
Identifiers: ClinVar variation 1806025 (VCV001806025.8), dbSNP rs1032762019, ClinGen allele CA243440218.

ClinVar aggregate classification (germline): Uncertain significance. Review status: criteria provided, multiple submitters, no conflicts (2 of 4 stars). 3 submissions from 3 submitters: Uncertain significance (3). Last evaluated 2025-10-15.

Conditions:
Inborn genetic diseases. Identifiers: MedGen C0950123, MeSH D030342.
Oculocerebrofacial syndrome, Kaufman type. Also called: Blepharophimosis-ptosis-intellectual disability syndrome. Identifiers: Orphanet 2707, MedGen C1855663, MONDO:0009485, OMIM 244450.

Allele frequency attached by ClinVar (database versions not stated): gnomAD exomes below 0.00001; TOPMed 0.00001.
gnomAD v4.1: 2 of 1,614,198 alleles (0.00012%); highest among the groups gnomAD compares: Non-Finnish European, 0.00017%; no homozygotes.

Submissions (3):

Ambry Genetics
Classification: Uncertain significance for Inborn genetic diseases. Last evaluated: 2025-10-15. Review status: criteria provided, single submitter. Criteria: Ambry Variant Classification Scheme 2023. Collection method: clinical testing. Allele origin: germline.

Labcorp Genetics (formerly Invitae), Labcorp
Classification: Uncertain significance. Last evaluated: 2022-06-04. Review status: criteria provided, single submitter. Criteria: Invitae Variant Classification Sherloc (09022015). Collection method: clinical testing. Allele origin: germline.
Comment: In summary, the available evidence is currently insufficient to determine the role of this variant in disease. Therefore, it has been classified as a Variant of Uncertain Significance. Algorithms developed to predict the effect of missense changes on protein structure and function are either unavailable or do not agree on the potential impact of this missense change (SIFT: "Deleterious"; PolyPhen-2: "Benign"; Align-GVGD: "Class C0"). This variant has not been reported in the literature in individuals affected with UBE3B-related conditions. This variant is not present in population databases (gnomAD no frequency). This sequence change replaces isoleucine, which is neutral and non-polar, with threonine, which is neutral and polar, at codon 840 of the UBE3B protein (p.Ile840Thr).

Victorian Clinical Genetics Services, Murdoch Childrens Research Institute
Classification: Uncertain significance for Oculocerebrofacial syndrome, Kaufman type. Last evaluated: 2020-05-26. Review status: criteria provided, single submitter. Criteria: ACMG Guidelines, 2015. Collection method: clinical testing. Allele origin: germline. Inheritance: Autosomal recessive inheritance.
Comment: Based on the classification scheme VCGS_Germline_v0.6.1, this variant is classified as a 3B-VUS. Following criteria are met: 0102 - Loss of function is a known mechanism of disease for this gene. (N) 0106 - This gene is known to be associated with autosomal recessive disease. (N) 0200 - Variant is predicted to result in a missense amino acid change from an isoleucine to a threonine (exon 23). (N) 0301 - Variant is absent from gnomAD. (P) 0502 - Missense variant with conflicting in silico predictions and uninformative conservation. (N) 0600 - Variant is located in an annotated domain or motif that does not have a well-established function (HECT domain). (N) 0705 - No comparable variants in relevant codon/region have previous evidence for pathogenicity. (N) 0807 - Variant has not previously been reported in a clinical context. (N) 0905 - No published segregation evidence has been identified for this variant. (N) 1007 - No published functional evidence has been identified for this variant. (N) Legend: (P) - Pathogenic, (N) - Neutral, (B) - Benign